The following is an entry in ClinVar:

ClinVar aggregate classification (germline): Uncertain significance. Review status: criteria provided, multiple submitters, no conflicts (2 of 4 stars). 3 submissions from 3 submitters: Uncertain significance (3). Last evaluated 2025-07-12.

Conditions:
Autosomal recessive limb-girdle muscular dystrophy type R18 (LGMDR18). Also called: Autosomal recessive limb-girdle muscular dystrophy type 2S; Limb-girdle muscular dystrophy, type 2S; MUSCULAR DYSTROPHY, LIMB-GIRDLE, AUTOSOMAL RECESSIVE 18. Identifiers: Orphanet 369840, MedGen C4517996, MONDO:0014144, OMIM 615356.
Inborn genetic diseases. Identifiers: MedGen C0950123, MeSH D030342.

Allele frequency attached by ClinVar (database versions not stated): gnomAD 0.00001; TOPMed 0.00001; ESP Exome Variant Server 0.00008.
gnomAD v4.1: 8 of 1,614,074 alleles (0.0005%); highest among the groups gnomAD compares: Non-Finnish European, 0.00059%; no homozygotes.

Submissions (3):

Ambry Genetics
Classification: Uncertain significance for Inborn genetic diseases. Last evaluated: 2025-07-12. Review status: criteria provided, single submitter. Criteria: Ambry Variant Classification Scheme 2023. Collection method: clinical testing. Allele origin: germline.

Labcorp Genetics (formerly Invitae), Labcorp
Classification: Uncertain significance for Autosomal recessive limb-girdle muscular dystrophy type R18. Last evaluated: 2022-03-20. Review status: criteria provided, single submitter. Criteria: Invitae Variant Classification Sherloc (09022015). Collection method: clinical testing. Allele origin: germline.
Comment: In summary, the available evidence is currently insufficient to determine the role of this variant in disease. Therefore, it has been classified as a Variant of Uncertain Significance. Algorithms developed to predict the effect of sequence changes on RNA splicing suggest that this variant may create or strengthen a splice site. Algorithms developed to predict the effect of missense changes on protein structure and function output the following: SIFT: "Tolerated"; PolyPhen-2: "Benign"; Align-GVGD: "Class C0". The valine amino acid residue is found in multiple mammalian species, which suggests that this missense change does not adversely affect protein function. ClinVar contains an entry for this variant (Variation ID: 474346). This variant has not been reported in the literature in individuals affected with TRAPPC11-related conditions. This variant is present in population databases (rs368529822, gnomAD 0.03%). This sequence change replaces isoleucine, which is neutral and non-polar, with valine, which is neutral and non-polar, at codon 579 of the TRAPPC11 protein (p.Ile579Val).

Revvity Omics, Revvity
Classification: Uncertain significance for Autosomal recessive limb-girdle muscular dystrophy type R18. Last evaluated: 2021-04-01. Review status: criteria provided, single submitter. Criteria: ACMG Guidelines, 2015. Collection method: clinical testing. Allele origin: germline.

NM_021942.6(TRAPPC11):c.1735A>G (p.Ile579Val)

Gene: TRAPPC11 (trafficking protein particle complex subunit 11; plus strand). Cytogenetic location: 4q35.1.
Variant type: single nucleotide variant.
Coding change: c.1735A>G on transcript NM_021942.6 (MANE Select); coding-DNA position 1735, A replaced by G.
Protein change: p.Ile579Val; replaces isoleucine 579 with valine.
Molecular consequence: missense variant.
Genome position (GRCh38, 1-based): chr4:183,685,376, A>G. VCF-style: chr4-183685376-A-G. GRCh37 (hg19) VCF-style: chr4-184606529-A-G.
Other names: c.1735A>G, p.Ile579Val (NM_199053.3); c.1735A>G (NM_021942.4); short protein forms I579V.
Identifiers: ClinVar variation 474346 (VCV000474346.15), dbSNP rs368529822, ClinGen allele CA111850434.